The following is an entry in ClinVar:

NM_001271.4(CHD2):c.1938G>A (p.Gly646=)

Gene: CHD2 (chromodomain helicase DNA binding protein 2; plus strand). Cytogenetic location: 15q26.1.
Variant type: single nucleotide variant.
Coding change: c.1938G>A on transcript NM_001271.4 (MANE Select); coding-DNA position 1938, G replaced by A.
Protein change: p.Gly646=; no amino-acid change (glycine 646 retained).
Molecular consequence: synonymous variant.
Genome position (GRCh38, 1-based): chr15:92,956,587, G>A. VCF-style: chr15-92956587-G-A. GRCh37 (hg19) VCF-style: chr15-93499817-G-A.
Identifiers: ClinVar variation 1561553 (VCV001561553.26), dbSNP rs985145180, ClinGen allele CA274879076.
Genomic context (GRCh38, chr15:92,956,587, plus strand): 5'-CTCTTTATTGTATAAAACTCTGATTGATTTCAAGTCCAACCATAGGCTCCTGATTACGGG[G>A]ACCCCTCTTCAGAATTCCCTCAAAGAGCTCTGGTCCTTGCTGCACTTTATTATGCCGGAG-3'
Protein context (NP_001262.3, residues 636-656): FKSNHRLLIT[Gly646=]TPLQNSLKEL

ClinVar aggregate classification (germline): Likely benign. Review status: criteria provided, multiple submitters, no conflicts (2 of 4 stars). 2 submissions from 2 submitters: Likely benign (2). Last evaluated 2024-06-01.

Conditions:
Developmental and epileptic encephalopathy 94 (DEE94). Also called: Epileptic encephalopathy, childhood-onset; CHD2-Related Neurodevelopmental Disorders. Identifiers: Orphanet 1942, Orphanet 2382, MedGen C3809278, MONDO:0014150, OMIM 615369.

Allele frequency attached by ClinVar (database versions not stated): TOPMed 0.00002; gnomAD 0.00003.
gnomAD v4.1: 21 of 1,613,868 alleles (0.0013%); highest among the groups gnomAD compares: Non-Finnish European, 0.0016%; no homozygotes.

Submissions (2):

CeGaT Center for Human Genetics Tuebingen
Classification: Likely benign. Last evaluated: 2024-06-01. Review status: criteria provided, single submitter. Criteria: CeGaT Center For Human Genetics Tuebingen Variant Classification Criteria Version 2. Collection method: clinical testing. Allele origin: germline. Affected: yes. Observed: 1 variant allele.
Comment: CHD2: BP4, BP7

Labcorp Genetics (formerly Invitae), Labcorp
Classification: Likely benign for Developmental and epileptic encephalopathy 94. Last evaluated: 2021-05-26. Review status: criteria provided, single submitter. Criteria: Invitae Variant Classification Sherloc (09022015). Collection method: clinical testing. Allele origin: germline.